The following is an entry in ClinVar:

NM_201548.5(CERKL):c.964del (p.Ala322fs)

Gene: CERKL (CERK like autophagy regulator; minus strand). Cytogenetic location: 2q31.3.
Variant type: Deletion.
Coding change: c.964del on transcript NM_201548.5 (MANE Select); coding-DNA position 964, one base deleted (G; older notation c.964delG).
Protein change: p.Ala322fs; shifts the reading frame from alanine 322.
Molecular consequence: frameshift variant. On other transcripts: non-coding transcript variant (2).
Genome position (GRCh38, 1-based): chr2:181,548,789, C deleted on the plus strand (G on the coding strand, the reverse complement: CERKL is on the minus strand). VCF-style (leftmost placement, unchanged base first): chr2-181548788-GC-G. GRCh37 (hg19) VCF-style: chr2-182413515-GC-G.
Other names: c.1042del, p.Ala348fs (NM_001030311.3); c.625del, p.Ala209fs (NM_001030312.3); c.757del, p.Ala253fs (NM_001030313.3); c.*246delG (NM_001030314.1, NM_001030315.1); c.910del, p.Ala304fs (NM_001160277.2); short protein forms A304fs, A348fs, A253fs, A209fs, A322fs.
Identifiers: ClinVar variation 2069305 (VCV002069305.4), dbSNP rs2468295898, ClinGen allele CA2580065277.

ClinVar aggregate classification (germline): Pathogenic (1 of 4 stars; one submission).

Submission:

Labcorp Genetics (formerly Invitae), Labcorp
Classification: Pathogenic. Last evaluated: 2022-01-01. Review status: criteria provided, single submitter. Criteria: Invitae Variant Classification Sherloc (09022015). Collection method: clinical testing. Allele origin: germline.
Comment: For these reasons, this variant has been classified as Pathogenic. This variant has not been reported in the literature in individuals affected with CERKL-related conditions. This variant is not present in population databases (gnomAD no frequency). This sequence change creates a premature translational stop signal (p.Ala348Profs*73) in the CERKL gene. It is expected to result in an absent or disrupted protein product. Loss-of-function variants in CERKL are known to be pathogenic (PMID: 14681825, 23591405, 24043777).

Literature cited by the submitters: PubMed 14681825; PubMed 23591405; PubMed 24043777.